The following is an entry in ClinVar:

NM_000096.4(CP):c.*474T>C

Genes: CP (ceruloplasmin; minus strand), HPS3 (HPS3 biogenesis of lysosomal organelles complex 2 subunit 1; plus strand). Cytogenetic location: 3q24.
Variant type: single nucleotide variant.
Coding change: c.*474T>C on transcript NM_000096.4 (MANE Select); 474 bases downstream of the stop codon, T replaced by C.
Molecular consequence: 3 prime UTR variant.
Genome position (GRCh38, 1-based): chr3:149,173,240, A>G on the plus strand (T>C on the coding strand, the complement: CP is on the minus strand). VCF-style: chr3-149173240-A-G. GRCh37 (hg19) VCF-style: chr3-148891027-A-G.
Other names: c.*1018A>G (NM_001308258.2, NM_032383.5).
Identifiers: ClinVar variation 899641 (VCV000899641.5), dbSNP rs34936395, ClinGen allele CA85522889.

ClinVar aggregate classification (germline): Benign/Likely benign. Review status: criteria provided, multiple submitters, no conflicts (2 of 4 stars). 3 submissions from 2 submitters: Benign (2); Likely benign (1). Last evaluated 2021-05-17.

Conditions:
Hermansky-Pudlak syndrome 3 (HPS3). Identifiers: Orphanet 231512, Orphanet 79430, MedGen C3888001, MONDO:0013555, OMIM 614072.
Deficiency of ferroxidase (ACEP). Also called: Aceruloplasminemia; NEURODEGENERATION WITH BRAIN IRON ACCUMULATION 10; Ceruloplasmin deficiency; Familial apoceruloplasmin deficiency; Hereditary ceruloplasmin deficiency; Deficiency of ceruloplasmin. Identifiers: Orphanet 48818, MedGen C0878682, MONDO:0011426, OMIM 604290, HP:0025498.

Allele frequency attached by ClinVar (database versions not stated): gnomAD 0.00519 and 0.00559; TOPMed 0.00552; 1000 Genomes Project 30x 0.00578; 1000 Genomes Project 0.00599.

Submissions (3):

GeneDx
Classification: Likely benign. Last evaluated: 2021-05-17. Review status: criteria provided, single submitter. Criteria: GeneDx Variant Classification Process June 2021. Collection method: clinical testing. Allele origin: germline. Affected: yes.
Comment: See Variant Classification Assertion Criteria.

Illumina Laboratory Services, Illumina
Classification: Benign for Hermansky-Pudlak syndrome 3. Last evaluated: 2018-01-13. Review status: criteria provided, single submitter. Criteria: ICSL Variant Classification Criteria 13 December 2019. Collection method: clinical testing. Allele origin: germline.
Comment: This variant was observed in the ICSL laboratory as part of a predisposition screen in an ostensibly healthy population. It had not been previously curated by ICSL or reported in the Human Gene Mutation Database (HGMD: prior to June 1st, 2018), and was therefore a candidate for classification through an automated scoring system. Utilizing variant allele frequency, disease prevalence and penetrance estimates, and inheritance mode, an automated score was calculated to assess if this variant is too frequent to cause the disease. Based on the score and internal cut-off values, a variant classified as benign is not then subjected to further curation. The score for this variant resulted in a classification of benign for this disease.

Illumina Laboratory Services, Illumina
Classification: Benign for Deficiency of ferroxidase. Last evaluated: 2018-01-12. Review status: criteria provided, single submitter. Criteria: ICSL Variant Classification Criteria 13 December 2019. Collection method: clinical testing. Allele origin: germline.
Comment: the same text as in the submission from Illumina Laboratory Services, Illumina above.